The following is an entry in ClinVar:

NM_019892.6(INPP5E):c.554T>A (p.Leu185Gln)

Gene: INPP5E (inositol polyphosphate-5-phosphatase E; minus strand). Cytogenetic location: 9q34.3.
Variant type: single nucleotide variant.
Coding change: c.554T>A on transcript NM_019892.6 (MANE Select); coding-DNA position 554, T replaced by A.
Protein change: p.Leu185Gln; replaces leucine 185 with glutamine.
Molecular consequence: missense variant.
Genome position (GRCh38, 1-based): chr9:136,438,866, A>T on the plus strand (T>A on the coding strand, the complement: INPP5E is on the minus strand). VCF-style: chr9-136438866-A-T. GRCh37 (hg19) VCF-style: chr9-139333318-A-T.
Other names: c.554T>A, p.Leu185Gln (NM_001318502.2); c.554T>A (NM_019892.5); short protein forms L185Q.
Identifiers: ClinVar variation 530890 (VCV000530890.10), dbSNP rs372412898, ClinGen allele CA5337137.
Genomic context (GRCh38, chr9:136,438,866, plus strand): 5'-GAGTCGGAGGCGATGTCCAGGCTCAGGGCAGGCGGTGGGCGCGGGGGCAGCAGGCTGGGC[A>T]GCCTGGGCGAGCTCCCCGCCACGGCGGCGTCTCTGTGCGGGAGGTTCGGGGAGCTGCTGG-3'
Protein context (NP_063945.2, residues 175-195): DAAVAGSSPR[Leu185Gln]PSLLPPRPPP

ClinVar aggregate classification (germline): Uncertain significance. Review status: criteria provided, multiple submitters, no conflicts (2 of 4 stars). 3 submissions from 3 submitters: Uncertain significance (3). Last evaluated 2026-06-03.

Conditions:
Joubert syndrome. Also called: JOUBERT-BOLTSHAUSER SYNDROME; Familial aplasia of the vermis. Identifiers: Orphanet 475, MedGen C5979921, MONDO:0018772.
INPP5E-related disorder. Also called: INPP5E-related condition.

Allele frequency attached by ClinVar (database versions not stated): gnomAD exomes 0.00015 and 0.00011; ESP Exome Variant Server 0.00016; ExAC 0.00027; TOPMed 0.00006; gnomAD 0.00012 and 0.00013.

Submissions (3):

PreventionGenetics, part of Exact Sciences
Classification: Uncertain significance for INPP5E-related condition. Last evaluated: 2026-06-03. Review status: criteria provided, single submitter. Criteria: ACMG Guidelines, 2015. Collection method: clinical testing. Allele origin: germline.
Comment: The INPP5E c.554T>A variant is predicted to result in the amino acid substitution p.Leu185Gln. To our knowledge, this variant has not been reported in the literature. This variant is reported in 0.056% of alleles in individuals of European (Finnish) descent in gnomAD, which may be too frequent to be a primary cause of disease. Although we suspect that this variant may be benign, at this time, the clinical significance of this variant is uncertain due to the absence of conclusive functional and genetic evidence.

Labcorp Genetics (formerly Invitae), Labcorp
Classification: Uncertain significance for Joubert syndrome. Last evaluated: 2024-09-27. Review status: criteria provided, single submitter. Criteria: Invitae Variant Classification Sherloc (09022015). Collection method: clinical testing. Allele origin: germline.
Comment: This sequence change replaces leucine, which is neutral and non-polar, with glutamine, which is neutral and polar, at codon 185 of the INPP5E protein (p.Leu185Gln). This variant is present in population databases (rs372412898, gnomAD 0.05%). This variant has not been reported in the literature in individuals affected with INPP5E-related conditions. ClinVar contains an entry for this variant (Variation ID: 530890). Invitae Evidence Modeling of protein sequence and biophysical properties (such as structural, functional, and spatial information, amino acid conservation, physicochemical variation, residue mobility, and thermodynamic stability) has been performed for this missense variant. However, the output from this modeling did not meet the statistical confidence thresholds required to predict the impact of this variant on INPP5E protein function. In summary, the available evidence is currently insufficient to determine the role of this variant in disease. Therefore, it has been classified as a Variant of Uncertain Significance.

Blueprint Genetics
Classification: Uncertain significance. Last evaluated: 2024-06-19. Review status: criteria provided, single submitter. Criteria: ACMG Guidelines, 2015. Collection method: clinical testing. Allele origin: germline.